The following is an entry in ClinVar:

ClinVar aggregate classification (germline): Uncertain significance (1 of 4 stars; one submission).

Conditions:
Mitochondrial DNA depletion syndrome, encephalomyopathic form with methylmalonic aciduria (MTDPS5). Also called: MITOCHONDRIAL DNA DEPLETION SYNDROME, ENCEPHALOMYOPATHIC FORM, WITH OR WITHOUT METHYLMALONIC ACIDURIA, AUTOSOMAL RECESSIVE, SUCLA2-RELATED; Mitochondrial DNA depletion syndrome 5 (encephalomyopathic with or without methylmalonic aciduria); SUCLA2-Related Mitochondrial DNA Depletion Syndrome, Encephalomyopathic Form with Methylmalonic Aciduria; Mitochondrial encephalomyopathy aminoacidopathy. Identifiers: Orphanet 1933, MedGen C5980207, MONDO:0012791, OMIM 612073.

Submission:

Labcorp Genetics (formerly Invitae), Labcorp
Classification: Uncertain significance for Mitochondrial DNA depletion syndrome, encephalomyopathic form with methylmalonic aciduria. Last evaluated: 2021-12-22. Review status: criteria provided, single submitter. Criteria: Invitae Variant Classification Sherloc (09022015). Collection method: clinical testing. Allele origin: germline.
Comment: This variant, c.285_287del, results in the deletion of 1 amino acid(s) of the SUCLA2 protein (p.Val96del), but otherwise preserves the integrity of the reading frame. This variant is present in population databases (no rsID available, gnomAD 0.0009%). This variant has not been reported in the literature in individuals affected with SUCLA2-related conditions. Experimental studies and prediction algorithms are not available or were not evaluated, and the functional significance of this variant is currently unknown. In summary, the available evidence is currently insufficient to determine the role of this variant in disease. Therefore, it has been classified as a Variant of Uncertain Significance.

NM_003850.3(SUCLA2):c.285_287del (p.Val96del)

Gene: SUCLA2 (succinate-CoA ligase ADP-forming subunit beta; minus strand). Cytogenetic location: 13q14.2.
Variant type: Deletion.
Coding change: c.285_287del on transcript NM_003850.3 (MANE Select); coding-DNA positions 285 to 287, 3 bases deleted (CGT; older notation c.285_287delCGT).
Protein change: p.Val96del; deletes valine 96.
Molecular consequence: inframe deletion.
Genome position (GRCh38, 1-based): chr13:47,988,966-47,988,968, ACG deleted on the plus strand (CGT on the coding strand, the reverse complement: SUCLA2 is on the minus strand); deleting any 3 consecutive bases within chr13:47,988,966-47,988,970 gives the same sequence; the c. name uses the placement nearest the transcript's 3' end. VCF-style (leftmost placement, unchanged base first): chr13-47988965-CACG-C. GRCh37 (hg19) VCF-style: chr13-48563100-CACG-C.
Other names: short protein forms V96del.
Identifiers: ClinVar variation 2188999 (VCV002188999.4), dbSNP rs1242061606, ClinGen allele CA609573013.